The following is an entry in ClinVar:

ClinVar aggregate classification (germline): Benign. Review status: criteria provided, multiple submitters, no conflicts (2 of 4 stars). 8 submissions from 7 submitters: Benign (5). 3 of the submissions do not count toward it. Last evaluated 2026-02-04.

Conditions:
Dilated cardiomyopathy 1KK (CMD1KK). Identifiers: Orphanet 154, Orphanet 75249, MedGen C3714995, MONDO:0014100, OMIM 615248.
Cardiomyopathy (CMYO). Also called: Cardiomyopathies. Identifiers: Orphanet 167848, MedGen C0878544, MONDO:0004994, HP:0001638. Inheritance: Various modes of inheritance.

Submissions (8):

Labcorp Genetics (formerly Invitae), Labcorp
Classification: Benign for Dilated cardiomyopathy 1KK. Last evaluated: 2026-02-04. Review status: criteria provided, single submitter. Criteria: Invitae Variant Classification Sherloc (09022015). Collection method: clinical testing. Allele origin: germline.

Blueprint Genetics
Classification: Benign. Last evaluated: 2024-11-27. Review status: criteria provided, single submitter. Criteria: ACMG Guidelines, 2015. Collection method: clinical testing. Allele origin: germline.

Women's Health and Genetics/Laboratory Corporation of America, LabCorp
Classification: Benign. Last evaluated: 2023-04-04. Review status: criteria provided, single submitter. Criteria: LabCorp Variant Classification Summary - May 2015. Collection method: clinical testing. Allele origin: germline.

GeneDx
Classification: Benign. Last evaluated: 2018-05-18. Review status: criteria provided, single submitter. Criteria: GeneDx Variant Classification Process June 2021. Collection method: clinical testing. Allele origin: germline. Affected: yes.

Clinical Genetics DNA and cytogenetics Diagnostics Lab, Erasmus MC, Erasmus Medical Center
Classification: Benign for Dilated cardiomyopathy 1KK. Last evaluated: 2017-09-13. Review status: criteria provided, single submitter. Criteria: ACGS Guidelines, 2013. Collection method: clinical testing. Allele origin: germline. Affected: yes. Study: VKGL Data-share Consensus.

Clinical Genetics, Academic Medical Center
Classification: Benign. Review status: no assertion criteria provided. Collection method: clinical testing. Allele origin: germline. Affected: yes. Study: VKGL Data-share Consensus. Not counted in ClinVar's aggregate classification.

Diagnostic Laboratory, Department of Genetics, University Medical Center Groningen
Classification: Benign. Review status: no assertion criteria provided. Collection method: clinical testing. Allele origin: germline. Affected: yes. Study: VKGL Data-share Consensus. Not counted in ClinVar's aggregate classification.

GeneDx
Classification: Benign for Cardiomyopathy. Last evaluated: 2014-01-08. Review status: flagged submission. Criteria: GeneDx Variant Classification (06012015). Collection method: clinical testing. Allele origin: germline. Affected: yes. Not counted in ClinVar's aggregate classification.
Comment: The variant is found in CARDIOMYOPATHY panel(s).
ClinVar note: Reason: This record appears to be redundant with a more recent record from the same submitter.
ClinVar note: Notes: SCV000236042 appears to be redundant with SCV000236041.

NM_032578.4(MYPN):c.3493+15_3493+20del

Gene: MYPN (myopalladin; plus strand). Cytogenetic location: 10q21.3.
Variant type: Deletion.
Coding change: c.3493+15_3493+20del on transcript NM_032578.4 (MANE Select); bases 15 to 20 of the intron after coding-DNA position 3493, 6 bases deleted (TGGGAC; older notation c.3493+15_3493+20delTGGGAC).
Molecular consequence: intron variant.
Genome position (GRCh38, 1-based): chr10:68,199,590-68,199,595, TGGGAC deleted; deleting any 6 consecutive bases within chr10:68,199,589-68,199,595 gives the same sequence; the c. name uses the placement nearest the transcript's 3' end. VCF-style (leftmost placement, unchanged base first): chr10-68199588-GCTGGGA-G. GRCh37 (hg19) VCF-style: chr10-69959345-GCTGGGA-G.
Other names: c.3493+15_3493+20del (NM_001256267.2); c.2611+15_2611+20del (NM_001256268.2).
Identifiers: ClinVar variation 201875 (VCV000201875.16), dbSNP rs11279655, ClinGen allele CA335278.